The following is an entry in ClinVar:

NM_000545.8(HNF1A):c.1136C>A (p.Pro379His)

Gene: HNF1A (HNF1 homeobox A; plus strand). Cytogenetic location: 12q24.31.
Variant type: single nucleotide variant.
Coding change: c.1136C>A on transcript NM_000545.8 (MANE Select); coding-DNA position 1136, C replaced by A.
Protein change: p.Pro379His; replaces proline 379 with histidine.
Molecular consequence: missense variant.
Genome position (GRCh38, 1-based): chr12:120,996,569, C>A. VCF-style: chr12-120996569-C-A. GRCh37 (hg19) VCF-style: chr12-121434372-C-A.
Other names: NM_000545.8(HNF1A):c.1136C>A; p.Pro379His; c.1136C>A, p.Pro379His (NM_001306179.2); c.1136C>A (NM_000545.5); short protein forms P379H.
Identifiers: ClinVar variation 1471754 (VCV001471754.13), dbSNP rs371717826, ClinGen allele CA6831958.

ClinVar aggregate classification (germline): Benign. Review status: reviewed by expert panel (3 of 4 stars). 6 submissions from 6 submitters: Benign (1). 5 of the submissions do not count toward it. Last evaluated 2026-02-26.

Conditions:
Monogenic diabetes. Identifiers: Orphanet 183625, MedGen C3888631, MONDO:0015967.
Type 2 diabetes mellitus. Also called: Type II diabetes mellitus. Identifiers: MedGen C0011860, MeSH D003924, MONDO:0005148, OMIM 125853, HP:0005978.
Maturity-onset diabetes of the young type 3. Also called: MODY, type III; MODY type 3. Identifiers: Orphanet 552, MedGen C1838100, MeSH C563933, MONDO:0010894, OMIM 600496. Disease mechanism: loss of function.
Hepatic adenomas, familial. Also called: LIVER CELL ADENOMAS, FAMILIAL; HEPATIC ADENOMA, SOMATIC. Identifiers: MedGen C1840646, MONDO:0007718, OMIM 142330.
Diabetes mellitus type 1 (T1D). Also called: Diabetes Mellitus, Juvenile-Onset; Type I diabetes mellitus. Identifiers: MedGen C0011854, MONDO:0005147, OMIM 222100, HP:0100651.
Nonpapillary renal cell carcinoma. Identifiers: Orphanet 422526, MedGen CN074294, MONDO:0007763, OMIM 144700.
Type 1 diabetes mellitus 20 (T1D20). Also called: Diabetes mellitus, insulin-dependent, 20. Identifiers: MedGen C2675866, MONDO:0012919, OMIM 612520.
HNF1A-related disorder. Also called: HNF1A-related condition.

Allele frequency attached by ClinVar (database versions not stated): TOPMed 0.00002; ExAC 0.00003; ESP Exome Variant Server 0.00008.
gnomAD v4.1: 26 of 1,613,982 alleles (0.0016%); highest among the groups gnomAD compares: Admixed American, 0.022%; no homozygotes.

Submissions (6):

ClinGen Monogenic Diabetes Variant Curation Expert Panel
Classification: Benign for Monogenic diabetes. Last evaluated: 2026-02-26. Review status: reviewed by expert panel. Criteria: ClinGen Diabetes ACMG Specifications HNF1A V3.1.0. Collection method: curation. Allele origin: germline. Inheritance: Autosomal dominant inheritance.
Comment: The c.1136C>A variant in the HNF1 homeobox A gene, HNF1A causes an amino acid change of proline to histidine at codon 379 (p.(Pro379His)) of NM_000545.8. This variant has a Grpmax Filtering allele frequency in gnomAD 4.1.0 of 0.00012742, which is greater than the ClinGen MDEP threshold for BA1 (0.0001) (BA1). This variant is predicted to be deleterious by computational evidence, with a REVEL score of 0.969, which is greater than the MDEP VCEP threshold of 0.70 (PP3). Functional studies demonstrated the p.Pro379His protein has transcriptional activity on insulin promoter 62% of WT in RINm5f cells and 78% of WT in HeLA cells (PMID 15883474). While one cell line is greater than the MDEP BS3 cutoff of 75%, one is between the ClinGen MDEP cutoffs for PS3 (<=40%) and BS3, and therefore neither PS3 nor BS3 was applied. This variant was identified in one family and segregated with diabetes with two informative meioses; however, this does not meet the thresholds for PP1 or PS4_Moderate set by the ClinGen MDEP (PMIDs: 27236918, 15883474). An individual in this family had a clinical history highly specific for HNF1A-monogenic diabetes (MODY probability calculator result >50%, negative genetic testing for HNF4A, and antibody negative) (PP4_Moderate; PMID 15883474). Another missense variant, c.1136C>G (p.Pro379Arg), has been classified as pathogenic by the ClinGen MDEP but has a greater Grantham distance than p.Pro379His (PM5_Supporting). In summary, c.1136C>A meets the criteria to be classified as benign for monogenic diabetes. ACMG/AMP criteria applied, as specified by the ClinGen MDEP (specification version 3.0.0, approved 6/30/2025): BA1, PM5_Supporting, PP4_Moderate, PP3.

Labcorp Genetics (formerly Invitae), Labcorp
Classification: Likely pathogenic. Last evaluated: 2025-11-03. Review status: criteria provided, single submitter. Criteria: Invitae Variant Classification Sherloc (09022015). Collection method: clinical testing. Allele origin: germline. Not counted in ClinVar's aggregate classification.
Comment: This sequence change replaces proline, which is neutral and non-polar, with histidine, which is basic and polar, at codon 379 of the HNF1A protein (p.Pro379His). This variant is present in population databases (rs371717826, gnomAD 0.03%). This missense change has been observed in individuals with clinical features of maturity-onset diabetes of the young (PMID: 15883474, 25555642, 26059258, 30455330, 31264968, 33046911; internal data). It has also been observed to segregate with disease in related individuals. ClinVar contains an entry for this variant (Variation ID: 1471754). Invitae Evidence Modeling of protein sequence and biophysical properties (such as structural, functional, and spatial information, amino acid conservation, physicochemical variation, residue mobility, and thermodynamic stability) indicates that this missense variant is not expected to disrupt HNF1A protein function with a negative predictive value of 80%. Experimental studies are conflicting or provide insufficient evidence to determine the effect of this variant on HNF1A function (PMID: 15883474). In summary, the currently available evidence indicates that the variant is pathogenic, but additional data are needed to prove that conclusively. Therefore, this variant has been classified as Likely Pathogenic.

Athena Diagnostics
Classification: Uncertain significance. Last evaluated: 2023-12-01. Review status: criteria provided, single submitter. Criteria: Athena Diagnostics Criteria. Collection method: clinical testing. Allele origin: unknown. Not counted in ClinVar's aggregate classification.
Comment: Available data are insufficient to determine the clinical significance of the variant at this time. The frequency of this variant in the general population is higher than would generally be expected for pathogenic variants in this gene. Experimental evidence regarding the effect of this variant on protein function is inconclusive. While experiments show this variant results in reduced protein activity, the reduction is less than what is seen for known pathogenic variants (PMID: 15883474). There was not enough information identified regarding segregation with disease in families to be useful in characterizing this variant. (PMID: 15883474)

Women's Health and Genetics/Laboratory Corporation of America, LabCorp
Classification: Uncertain significance. Last evaluated: 2023-09-08. Review status: criteria provided, single submitter. Criteria: LabCorp Variant Classification Summary - May 2015. Collection method: clinical testing. Allele origin: germline. Not counted in ClinVar's aggregate classification.
Comment: Variant summary: HNF1A c.1136C>A (p.Pro379His) results in a non-conservative amino acid change located in the Hepatocyte nuclear factor 1, beta isoform, C-terminal domain (IPR006897) of the encoded protein sequence. Other variant affecting the same amino acid residue (Pro379) have been reported in association with Maturity Onset Diabetes Of The Young 3 in the HGMD database and with limiting/conflicting reports of pathogenicity in the ClinVar database. This supports a possible functional relevance of this residue towards protein function. Five of five in-silico tools predict a damaging effect of the variant on protein function. The variant allele was found at a frequency of 5.2e-05 in 250114 control chromosomes, predominantly at a frequency of 0.00029 within the Latino subpopulation in the gnomAD database. The observed variant frequency within Latino control individuals in the gnomAD database is approximately 12 fold of the estimated maximal expected allele frequency for a pathogenic variant in HNF1A causing Maturity Onset Diabetes Of The Young 3 phenotype (2.5e-05), suggesting that the variant could be a benign polymorphism found primarily in populations of Latino origin. c.1136C>A has been reported in the literature in individuals affected with features of Maturity Onset Diabetes Of The Young 3 (e.g. Dominguez-Lopez_2005, Bennet_2015, Chambers_2016, Juszczak_2019, Yu_2019) and was demonstrated to segregate with disease across three generations in at-least one Mexican family (Dominguez-Lopez_2005). These data indicate that the variant is likely to be associated with disease although the ethnicity of the reported individuals was not specified across all ascertained reports cited here. At least one publication reports experimental evidence evaluating an impact on protein function. When assayed with the human insulin promotor, the variant was found to retain approximately 60% transactivational activity when compared to wild-type (Dominguez-Lopez_2005). The following publications have been ascertained in the context of this evaluation (PMID: 25555642, 26059258, 15883474, 30455330, 31264968). Two submitters have cited clinical-significance assessments for this variant to ClinVar after 2014. All submitters classified the variant as likely pathogenic. At-least one submitter cites overlapping evidence utilized in the context of this evaluation. Based on the evidence outlined above, the variant was classified as VUS-possibly pathogenic.

Fulgent Genetics
Classification: Likely pathogenic for Type 2 diabetes mellitus; Hepatic adenomas, familial; Nonpapillary renal cell carcinoma; Diabetes mellitus type 1; Maturity-onset diabetes of the young type 3; Type 1 diabetes mellitus 20. Last evaluated: 2022-04-30. Review status: criteria provided, single submitter. Criteria: ACMG Guidelines, 2015. Collection method: clinical testing. Allele origin: unknown. Not counted in ClinVar's aggregate classification.

PreventionGenetics, part of Exact Sciences
Classification: Uncertain significance for HNF1A-related condition. Last evaluated: 2024-09-21. Review status: no assertion criteria provided. Collection method: clinical testing. Allele origin: germline. Not counted in ClinVar's aggregate classification.
Comment: The HNF1A c.1136C>A variant is predicted to result in the amino acid substitution p.Pro379His. This variant has been reported in individuals with maturity-onset diabetes of the young (MODY, Bennett et al. 2015. PubMed ID: 25555642; Table S8, Kingsmore et al. 2022. PubMed ID: 36007526). Additionally, it was identified in multiple members a family with diabetes, and was reported to segregate with disease (Domínguez-López et al. 2005. PubMed ID: 15883474). In vitro functional studies using RINm5f and HeLa cells have demonstrated that expression of this variant resulted in a mildly reduced transactivation of the human insulin promoter to ~ 62% and 78% of wild-type, respectively (Domínguez-López et al. 2005. PubMed ID: 15883474). Several different missense changes impacting the same amino acid (p.Pro379Ala, p.Pro379Ser, p.Pro379Thr, p.Pro379Arg) have also been reported in MODY patients but the classification of those variants range from benign to pathogenic in ClinVar (Bellanne-Chantelot. 2008. PubMed ID: 18003757; Xu et al. 2005. PubMed ID: 15657605 ). This variant is reported in 0.029% of alleles in individuals of Latino descent in gnomAD. This variant has been interpreted as benign by the ClinGen Monogenic Diabetes Variant Curation Expert Panel. Taken together, although we suspect that this variant may be benign, at this time, the clinical significance of this variant is uncertain due to the absence of conclusive functional and genetic evidence.

Literature cited by the submitters: PubMed 15883474 (cited by 4 submitters); PubMed 25555642 (cited by 3 submitters); PubMed 26059258 (cited by 3 submitters); PubMed 30455330 (cited by 3 submitters); PubMed 31264968 (cited by 3 submitters); PubMed 33046911 (cited by Labcorp Genetics (formerly Invitae), Labcorp and Athena Diagnostics); PubMed 32355288 (cited by Athena Diagnostics); PubMed 36208343 (cited by Athena Diagnostics).